The following is an entry in ClinVar:

NM_000553.6(WRN):c.3124G>A (p.Ala1042Thr)

Gene: WRN (WRN RecQ like helicase; plus strand). Cytogenetic location: 8p12.
Variant type: single nucleotide variant.
Coding change: c.3124G>A on transcript NM_000553.6 (MANE Select); coding-DNA position 3124, G replaced by A.
Protein change: p.Ala1042Thr; replaces alanine 1042 with threonine.
Molecular consequence: missense variant.
Genome position (GRCh38, 1-based): chr8:31,141,586, G>A. VCF-style: chr8-31141586-G-A. GRCh37 (hg19) VCF-style: chr8-30999102-G-A.
Other names: short protein forms A1042T.
Identifiers: ClinVar variation 639199 (VCV000639199.7), dbSNP rs1393051955, ClinGen allele CA370922580.
Genomic context (GRCh38, chr8:31,141,586, plus strand): 5'-CTGATCACTGAGGGATTCTTGGTAGAAGTTTCTCGGTATAACAAATTTATGAAGATTTGC[G>A]CCCTTACGAAAAAGGTAAACGGTGTAGGAGTCTGCCTGTTTGACTTAATTTTGTTTCCCA-3'
Protein context (NP_000544.2, residues 1032-1052): SRYNKFMKIC[Ala1042Thr]LTKKGRNWLH

ClinVar aggregate classification (germline): Conflicting classifications of pathogenicity. Review status: criteria provided, conflicting classifications (1 of 4 stars). 2 submissions from 2 submitters: Uncertain significance (1); Likely benign (1). Last evaluated 2025-06-19.

Conditions:
Inborn genetic diseases. Identifiers: MedGen C0950123, MeSH D030342.
Werner syndrome (WRN). Identifiers: Orphanet 902, MedGen C0043119, MONDO:0010196, OMIM 277700.

Allele frequency attached by ClinVar (database versions not stated): gnomAD exomes below 0.00001; gnomAD 0.00001; TOPMed 0.00001.
gnomAD v4.1: 7 of 1,613,952 alleles (0.00043%); highest among the groups gnomAD compares: African/African-American, 0.0013%; no homozygotes.

Submissions (2):

Ambry Genetics
Classification: Likely benign for Inborn genetic diseases. Last evaluated: 2025-06-19. Review status: criteria provided, single submitter. Criteria: Ambry Variant Classification Scheme 2023. Collection method: clinical testing. Allele origin: germline.

Labcorp Genetics (formerly Invitae), Labcorp
Classification: Uncertain significance for Werner syndrome. Last evaluated: 2024-10-06. Review status: criteria provided, single submitter. Criteria: Invitae Variant Classification Sherloc (09022015). Collection method: clinical testing. Allele origin: germline.
Comment: This sequence change replaces alanine, which is neutral and non-polar, with threonine, which is neutral and polar, at codon 1042 of the WRN protein (p.Ala1042Thr). This variant is present in population databases (no rsID available, gnomAD 0.002%). This variant has not been reported in the literature in individuals affected with WRN-related conditions. ClinVar contains an entry for this variant (Variation ID: 639199). An algorithm developed to predict the effect of missense changes on protein structure and function outputs the following: PolyPhen-2: "Benign". The threonine amino acid residue is found in multiple mammalian species, which suggests that this missense change does not adversely affect protein function. In summary, the available evidence is currently insufficient to determine the role of this variant in disease. Therefore, it has been classified as a Variant of Uncertain Significance.